The following is an entry in ClinVar:

NM_014974.3(DIP2C):c.3180G>A (p.Pro1060=)

Gene: DIP2C (DIP2 acetate--CoA ligase C (putative); minus strand). Cytogenetic location: 10p15.3.
Variant type: single nucleotide variant.
Coding change: c.3180G>A on transcript NM_014974.3 (MANE Select); coding-DNA position 3180, G replaced by A.
Protein change: p.Pro1060=; no amino-acid change (proline 1060 retained).
Molecular consequence: synonymous variant.
Genome position (GRCh38, 1-based): chr10:348,692, C>T on the plus strand (G>A on the coding strand, the complement: DIP2C is on the minus strand). VCF-style: chr10-348692-C-T. GRCh37 (hg19) VCF-style: chr10-394632-C-T.
Other names: c.3180G>A (NM_014974.2).
Identifiers: ClinVar variation 1603559 (VCV001603559.10), dbSNP rs146207311, ClinGen allele CA5380089.

ClinVar aggregate classification (germline): Benign. Review status: criteria provided, single submitter (1 of 4 stars). 2 submissions from 2 submitters: Benign (1). 1 of the submissions does not count toward it. Last evaluated 2025-12-24.

Conditions:
DIP2C-related disorder. Also called: DIP2C-related condition.

Allele frequency attached by ClinVar (database versions not stated): 1000 Genomes Project 30x 0.00094; 1000 Genomes Project 0.00100; ESP Exome Variant Server 0.00138.
gnomAD v4.1: 506 of 1,613,814 alleles (0.031%); highest among the groups gnomAD compares: African/African-American, 0.62%; 2 homozygotes.

Submissions (2):

Labcorp Genetics (formerly Invitae), Labcorp
Classification: Benign. Last evaluated: 2025-12-24. Review status: criteria provided, single submitter. Criteria: Invitae Variant Classification Sherloc (09022015). Collection method: clinical testing. Allele origin: germline.

PreventionGenetics, part of Exact Sciences
Classification: Likely benign for DIP2C-related condition. Last evaluated: 2019-03-04. Review status: no assertion criteria provided. Collection method: clinical testing. Allele origin: germline. Not counted in ClinVar's aggregate classification.
Comment: This variant is classified as likely benign based on ACMG/AMP sequence variant interpretation guidelines (Richards et al. 2015 PMID: 25741868, with internal and published modifications).